The following is an entry in ClinVar:

NM_001110556.2(FLNA):c.4571T>C (p.Leu1524Pro)

Gene: FLNA (filamin A; minus strand). Cytogenetic location: Xq28.
Variant type: single nucleotide variant.
Coding change: c.4571T>C on transcript NM_001110556.2 (MANE Select); coding-DNA position 4571, T replaced by C.
Protein change: p.Leu1524Pro; replaces leucine 1524 with proline.
Molecular consequence: missense variant.
Genome position (GRCh38, 1-based): chrX:154,358,472, A>G on the plus strand (T>C on the coding strand, the complement: FLNA is on the minus strand). VCF-style: chrX-154358472-A-G. GRCh37 (hg19) VCF-style: chrX-153586840-A-G.
Other names: c.4571T>C, p.Leu1524Pro (NM_001456.4); short protein forms L1524P.
Identifiers: ClinVar variation 3760004 (VCV003760004.2).

ClinVar aggregate classification (germline): Uncertain significance (1 of 4 stars; one submission).

Conditions:
Melnick-Needles syndrome (MNS). Also called: MELNICK-NEEDLES OSTEODYSPLASTY; OSTEODYSPLASTY OF MELNICK AND NEEDLES; Melnick-Needles Syndrome (FLNA-MNS). Identifiers: Orphanet 2484, MedGen C0025237, MONDO:0010650, OMIM 309350.
Frontometaphyseal dysplasia (FMD1). Identifiers: Orphanet 1826, MedGen C0265293, MONDO:0015942.
Heterotopia, periventricular, X-linked dominant (PVNH1). Also called: PERIVENTRICULAR NODULAR HETEROTOPIA 1; X-linked periventricular heterotopia; PERIVENTRICULAR NODULAR HETEROTOPIA 4; HETEROTOPIA, PERIVENTRICULAR, 1. Identifiers: Orphanet 2149, Orphanet 82004, MedGen C1848213, MONDO:0010233, OMIM 300049.
Oto-palato-digital syndrome, type II (OPD2). Also called: FACIOPALATOOSSEOUS SYNDROME; OPD II SYNDROME; Otopalatodigital Syndrome, Type II; Otopalatodigital Syndrome Type 2 (FLNA-OPD2). Identifiers: Orphanet 669, Orphanet 90652, MedGen C1844696, MONDO:0010571, OMIM 304120.

gnomAD v4.1: 4 of 1,208,530 alleles (0.00033%); highest among the groups gnomAD compares: African/African-American, 0.0035%; no homozygotes.

Submission:

Labcorp Genetics (formerly Invitae), Labcorp
Classification: Uncertain significance for Oto-palato-digital syndrome, type II; Heterotopia, periventricular, X-linked dominant; Frontometaphyseal dysplasia; Melnick-Needles syndrome. Last evaluated: 2024-02-01. Review status: criteria provided, single submitter. Criteria: Invitae Variant Classification Sherloc (09022015). Collection method: clinical testing. Allele origin: germline.
Comment: This sequence change replaces leucine, which is neutral and non-polar, with proline, which is neutral and non-polar, at codon 1524 of the FLNA protein (p.Leu1524Pro). This variant is not present in population databases (gnomAD no frequency). This variant has not been reported in the literature in individuals affected with FLNA-related conditions. Advanced modeling of protein sequence and biophysical properties (such as structural, functional, and spatial information, amino acid conservation, physicochemical variation, residue mobility, and thermodynamic stability) performed at Invitae indicates that this missense variant is not expected to disrupt FLNA protein function with a negative predictive value of 95%. In summary, the available evidence is currently insufficient to determine the role of this variant in disease. Therefore, it has been classified as a Variant of Uncertain Significance.